The following is an entry in ClinVar:

ClinVar aggregate classification (germline): Conflicting classifications of pathogenicity. Review status: criteria provided, conflicting classifications (1 of 4 stars). 5 submissions from 5 submitters: Uncertain significance (4); Likely benign (1). Last evaluated 2025-10-06.

Conditions:
SNRNP200-related disorder. Also called: SNRNP200-related condition.
Inborn genetic diseases. Identifiers: MedGen C0950123, MeSH D030342.

Allele frequency attached by ClinVar (database versions not stated): ExAC 0.00001; gnomAD exomes 0.00001 and 0.00003; TOPMed 0.00002.
gnomAD v4.1: 38 of 1,614,060 alleles (0.0024%); highest among the groups gnomAD compares: Non-Finnish European, 0.0031%; no homozygotes.

Submissions (5):

Labcorp Genetics (formerly Invitae), Labcorp
Classification: Likely benign. Last evaluated: 2025-10-06. Review status: criteria provided, single submitter. Criteria: Invitae Variant Classification Sherloc (09022015). Collection method: clinical testing. Allele origin: germline.

PreventionGenetics, part of Exact Sciences
Classification: Uncertain significance for SNRNP200-related condition. Last evaluated: 2025-05-28. Review status: criteria provided, single submitter. Criteria: ACMG Guidelines, 2015. Collection method: clinical testing. Allele origin: germline.
Comment: The SNRNP200 c.737C>T variant is predicted to result in the amino acid substitution p.Ala246Val. To our knowledge, this variant has not been reported in the literature. This variant is reported in 0.0018% of alleles in individuals of European (Non-Finnish) descent in gnomAD. At this time, the clinical significance of this variant is uncertain due to the absence of conclusive functional and genetic evidence.

GeneDx
Classification: Uncertain significance. Last evaluated: 2024-11-25. Review status: criteria provided, single submitter. Criteria: GeneDx Variant Classification Process June 2021. Collection method: clinical testing. Allele origin: germline. Affected: yes.
Comment: Not observed at significant frequency in large population cohorts (gnomAD); In silico analysis indicates that this missense variant does not alter protein structure/function; Has not been previously published as pathogenic or benign to our knowledge

Ambry Genetics
Classification: Uncertain significance for Inborn genetic diseases. Last evaluated: 2023-12-14. Review status: criteria provided, single submitter. Criteria: Ambry Variant Classification Scheme 2023. Collection method: clinical testing. Allele origin: germline.

Blueprint Genetics
Classification: Uncertain significance. Last evaluated: 2019-08-13. Review status: criteria provided, single submitter. Criteria: ACMG Guidelines, 2015. Collection method: clinical testing. Allele origin: germline.

NM_014014.5(SNRNP200):c.737C>T (p.Ala246Val)

Gene: SNRNP200 (small nuclear ribonucleoprotein U5 subunit 200; minus strand). Cytogenetic location: 2q11.2.
Variant type: single nucleotide variant.
Coding change: c.737C>T on transcript NM_014014.5 (MANE Select); coding-DNA position 737, C replaced by T.
Protein change: p.Ala246Val; replaces alanine 246 with valine.
Molecular consequence: missense variant.
Genome position (GRCh38, 1-based): chr2:96,298,960, G>A on the plus strand (C>T on the coding strand, the complement: SNRNP200 is on the minus strand). VCF-style: chr2-96298960-G-A. GRCh37 (hg19) VCF-style: chr2-96964698-G-A.
Other names: short protein forms A246V.
Identifiers: ClinVar variation 866676 (VCV000866676.10), dbSNP rs762289712, ClinGen allele CA1779084.
Genomic context (GRCh38, chr2:96,298,960, plus strand): 5'-AATGCATCAATATCCCGAGGGTGCAAATCCTTCTTCTTGGAACTCATCAGTTCACCTGAG[G>A]CTACGAGCTATAAAAGTAACCAGGCATTTAGCTCACCAGGTCTCTGCCAGCCTCGATCAC-3'
Protein context (NP_054733.2, residues 236-256): VRCTLSANLV[Ala246Val]SGELMSSKKK